The following is an entry in ClinVar:

NM_007129.5(ZIC2):c.1490G>A (p.Gly497Glu)

Gene: ZIC2 (Zic family zinc finger 2; plus strand). Cytogenetic location: 13q32.3.
Variant type: single nucleotide variant.
Coding change: c.1490G>A on transcript NM_007129.5 (MANE Select); coding-DNA position 1490, G replaced by A.
Protein change: p.Gly497Glu; replaces glycine 497 with glutamic acid.
Molecular consequence: missense variant.
Genome position (GRCh38, 1-based): chr13:99,985,573, G>A. VCF-style: chr13-99985573-G-A. GRCh37 (hg19) VCF-style: chr13-100637827-G-A.
Other names: short protein forms G497E.
Identifiers: ClinVar variation 2084217 (VCV002084217.4), dbSNP rs1003499674, ClinGen allele CA388639671.
Genomic context (GRCh38, chr13:99,985,573, plus strand): 5'-GCGGAGGCTCGGGCAGTGGCGGCGCGGGAGGCGGCTCAGGCGGCGGCAGCGGCAGTGGCG[G>A]GGGCGGCGGCGGGGCGGGCGGCGGGGGCGGCGGCAGCTCTGGCGGGGGCAGCGGGACAGC-3'
Protein context (NP_009060.2, residues 487-507): GGSGGGSGSG[Gly497Glu]GGGGAGGGGG

ClinVar aggregate classification (germline): Uncertain significance (1 of 4 stars; one submission).

Conditions:
Holoprosencephaly 5 (HPE5). Identifiers: Orphanet 2162, MedGen C1864827, MONDO:0012322, OMIM 609637.

gnomAD v4.1: 6 of 999,364 alleles (0.0006%); highest among the groups gnomAD compares: African/African-American, 0.011%; no homozygotes.

Submission:

Labcorp Genetics (formerly Invitae), Labcorp
Classification: Uncertain significance for Holoprosencephaly 5. Last evaluated: 2024-05-02. Review status: criteria provided, single submitter. Criteria: Invitae Variant Classification Sherloc (09022015). Collection method: clinical testing. Allele origin: germline.
Comment: This sequence change replaces glycine, which is neutral and non-polar, with glutamic acid, which is acidic and polar, at codon 497 of the ZIC2 protein (p.Gly497Glu). This variant is not present in population databases (gnomAD no frequency). This variant has not been reported in the literature in individuals affected with ZIC2-related conditions. ClinVar contains an entry for this variant (Variation ID: 2084217). Experimental studies and prediction algorithms are not available or were not evaluated, and the functional significance of this variant is currently unknown. In summary, the available evidence is currently insufficient to determine the role of this variant in disease. Therefore, it has been classified as a Variant of Uncertain Significance.